The following is an entry in ClinVar:

ClinVar aggregate classification (germline): Uncertain significance. Review status: criteria provided, multiple submitters, no conflicts (2 of 4 stars). 2 submissions from 2 submitters: Uncertain significance (2). Last evaluated 2024-09-14.

Conditions:
Congenital contractural arachnodactyly (CCA). Also called: BEALS SYNDROME; Beals-Hecht syndrome; Arthrogryposis, distal, type 9. Identifiers: Orphanet 115, MedGen C0220668, MONDO:0007363, OMIM 121050.

Allele frequency attached by ClinVar (database versions not stated): gnomAD exomes below 0.00001.

Submissions (2):

Labcorp Genetics (formerly Invitae), Labcorp
Classification: Uncertain significance for Congenital contractural arachnodactyly. Last evaluated: 2024-09-14. Review status: criteria provided, single submitter. Criteria: Invitae Variant Classification Sherloc (09022015). Collection method: clinical testing. Allele origin: germline.
Comment: This sequence change creates a premature translational stop signal (p.Gln2186*) in the FBN2 gene. It is expected to result in an absent or disrupted protein product. However, the current clinical and genetic evidence is not sufficient to establish whether loss-of-function variants in FBN2 cause disease. This variant is present in population databases (no rsID available, gnomAD 0.0009%). This variant has not been reported in the literature in individuals affected with FBN2-related conditions. ClinVar contains an entry for this variant (Variation ID: 489171). In summary, the available evidence is currently insufficient to determine the role of this variant in disease. Therefore, it has been classified as a Variant of Uncertain Significance.

GeneDx
Classification: Uncertain significance. Last evaluated: 2017-11-30. Review status: criteria provided, single submitter. Criteria: GeneDx Variant Classification (06012015). Collection method: clinical testing. Allele origin: germline. Affected: yes.
Comment: The Q2186X variant in the FBN2 gene has not been reported as a pathogenic or benign to our knowledge. This variant is not observed at a significant frequencyin large population cohorts (Lek et al., 2016). The Q2186X variant is predicted to cause loss of normal protein function either by protein truncation or nonsense-mediated mRNA decay. However, only one nonsense variant in the FBN2 gene has been reported in the Human Gene Mutation Database in association with CCA (Stenson et al., 2014). Most of the pathogenic variants reported in FBN2 result in missense substitutions or in-frame exon deletions/duplications (Stenson et al., 2014), which may suggest loss-of-function of FBN2 may not be a mechanism of disease for CCA.

NM_001999.4(FBN2):c.6556C>T (p.Gln2186Ter)

Gene: FBN2 (fibrillin 2; minus strand). Cytogenetic location: 5q23.3.
Variant type: single nucleotide variant.
Coding change: c.6556C>T on transcript NM_001999.4 (MANE Select); coding-DNA position 6556, C replaced by T.
Protein change: p.Gln2186Ter; replaces glutamine 2186 with a stop codon.
Molecular consequence: nonsense.
Genome position (GRCh38, 1-based): chr5:128,289,208, G>A on the plus strand (C>T on the coding strand, the complement: FBN2 is on the minus strand). VCF-style: chr5-128289208-G-A. GRCh37 (hg19) VCF-style: chr5-127624900-G-A.
Other names: short protein forms Q2186*.
Identifiers: ClinVar variation 489171 (VCV000489171.4), dbSNP rs1415043313, ClinGen allele CA360761254.